The following is an entry in ClinVar:

ClinVar aggregate classification (germline): Likely pathogenic (1 of 4 stars; one submission).

Conditions:
Retinitis pigmentosa 39 (RP39). Identifiers: Orphanet 791, MedGen C3151138, MONDO:0013436, OMIM 613809.
Usher syndrome type 2A. Also called: USHER SYNDROME, TYPE IIA; RETINAL DISEASE IN USHER SYNDROME TYPE IIA, MODIFIER OF. Identifiers: Orphanet 231178, Orphanet 886, MedGen C1848634, MONDO:0010169, OMIM 276901.

Submission:

Juno Genomics, Hangzhou Juno Genomics, Inc
Classification: Likely pathogenic for Retinitis pigmentosa 39; Usher syndrome type 2A. Review status: criteria provided, single submitter. Criteria: ACMG Guidelines, 2015. Collection method: clinical testing. Allele origin: germline.
Comment: Null variant in a gene where loss of function (LOF) is a known mechanism of disease.;Absent from controls (or at extremely low frequency if recessive) in Genome Aggregation Database.

NM_206933.4(USH2A):c.8603del (p.Asn2868fs)

Gene: USH2A (usherin; minus strand). Cytogenetic location: 1q41.
Variant type: Deletion.
Coding change: c.8603del on transcript NM_206933.4 (MANE Select); coding-DNA position 8603, one base deleted (A; older notation c.8603delA).
Protein change: p.Asn2868fs; shifts the reading frame from asparagine 2868.
Molecular consequence: frameshift variant.
Genome position (GRCh38, 1-based): chr1:215,877,836, T deleted on the plus strand (A on the coding strand, the reverse complement: USH2A is on the minus strand); the first of 3 consecutive T bases (chr1:215,877,836-215,877,838); deleting any one gives the same sequence. VCF-style (leftmost placement, unchanged base first): chr1-215877835-AT-A. GRCh37 (hg19) VCF-style: chr1-216051177-AT-A.
Other names: short protein forms N2868fs.
Identifiers: ClinVar variation 5005943 (VCV005005943.2).
Genomic context (GRCh38, chr1:215,877,835, plus strand): 5'-TTCATAAAGCCACTGAGTTCCTGAATAAATATTGTGCCACCGATTTAAATCTTCTGGGGG[AT>A]TTGATGCAAGTGGCTGCTGGATTTTACGTCTCAGAAGCTCATATCTAAAGCAAAAGACAA-3'